The following is an entry in ClinVar:

NM_001384732.1(CPLANE1):c.5067_5069del (p.Gln1689_Asp1690delinsHis)

Gene: CPLANE1 (ciliogenesis and planar polarity effector complex subunit 1; minus strand). Cytogenetic location: 5p13.2.
Variant type: Deletion.
Coding change: c.5067_5069del on transcript NM_001384732.1 (MANE Select); coding-DNA positions 5067 to 5069, 3 bases deleted (AGA; older notation c.5067_5069delAGA).
Protein change: p.Gln1689_Asp1690delinsHis.
Molecular consequence: inframe indel.
Genome position (GRCh38, 1-based): chr5:37,183,112-37,183,114, TCT deleted on the plus strand (AGA on the coding strand, the reverse complement: CPLANE1 is on the minus strand); deleting any 3 consecutive bases within chr5:37,183,112-37,183,115 gives the same sequence; the c. name uses the placement nearest the transcript's 3' end. VCF-style (leftmost placement, unchanged base first): chr5-37183111-ATCT-A. GRCh37 (hg19) VCF-style: chr5-37183213-ATCT-A.
Other names: c.5067_5069del, p.Gln1689_Asp1690delinsHis (NM_023073.4).
Identifiers: ClinVar variation 1514139 (VCV001514139.6), dbSNP rs1783118638, ClinGen allele CA1075121829.

ClinVar aggregate classification (germline): Uncertain significance (1 of 4 stars; one submission).

Submission:

Labcorp Genetics (formerly Invitae), Labcorp
Classification: Uncertain significance. Last evaluated: 2021-08-19. Review status: criteria provided, single submitter. Criteria: Invitae Variant Classification Sherloc (09022015). Collection method: clinical testing. Allele origin: germline.
Comment: This variant, c.5067_5069del, is a complex sequence change that results in the deletion of 2 and insertion of 1 amino acid(s) in the CPLANE1 protein (p.Gln1689_Asp1690delinsHis). This variant is not present in population databases (ExAC no frequency). This variant has not been reported in the literature in individuals affected with CPLANE1-related conditions. Experimental studies and prediction algorithms are not available or were not evaluated, and the functional significance of this variant is currently unknown. In summary, the available evidence is currently insufficient to determine the role of this variant in disease. Therefore, it has been classified as a Variant of Uncertain Significance.